The following is an entry in ClinVar:

NM_206933.4(USH2A):c.15254G>A (p.Arg5085Lys)

Gene: USH2A (usherin; minus strand). Cytogenetic location: 1q41.
Variant type: single nucleotide variant.
Coding change: c.15254G>A on transcript NM_206933.4 (MANE Select); coding-DNA position 15254, G replaced by A.
Protein change: p.Arg5085Lys; replaces arginine 5085 with lysine.
Molecular consequence: missense variant.
Genome position (GRCh38, 1-based): chr1:215,634,502, C>T on the plus strand (G>A on the coding strand, the complement: USH2A is on the minus strand). VCF-style: chr1-215634502-C-T. GRCh37 (hg19) VCF-style: chr1-215807844-C-T.
Other names: short protein forms R5085K.
Identifiers: ClinVar variation 4535862 (VCV004535862.1).

ClinVar aggregate classification (germline): Uncertain significance (1 of 4 stars; one submission).

gnomAD v4.1: 6 of 1,614,100 alleles (0.00037%); highest among the groups gnomAD compares: Non-Finnish European, 0.00051%; no homozygotes.

Submission:

Women's Health and Genetics/Laboratory Corporation of America, LabCorp
Classification: Uncertain significance. Last evaluated: 2025-09-03. Review status: criteria provided, single submitter. Criteria: LabCorp Variant Classification Summary - May 2015. Collection method: clinical testing. Allele origin: germline.
Comment: Variant summary: USH2A c.15254G>A (p.Arg5085Lys) results in a conservative amino acid change in the encoded protein sequence. Algorithms developed to predict the effect of missense changes on protein structure and function are either unavailable or do not agree on the potential impact of this missense change. The variant allele was found at a frequency of 4e-06 in 251454 control chromosomes. The available data on variant occurrences in the general population are insufficient to allow any conclusion about variant significance. To our knowledge, no occurrence of c.15254G>A in individuals affected with USH2A-related conditions and no experimental evidence demonstrating its impact on protein function have been reported. No submitters have cited clinical-significance assessments for this variant to ClinVar. Based on the evidence outlined above, the variant was classified as uncertain significance.